The following is an entry in ClinVar:

NM_006949.4(STXBP2):c.960+6G>T

Gene: STXBP2 (syntaxin binding protein 2; plus strand). Cytogenetic location: 19p13.2.
Variant type: single nucleotide variant.
Coding change: c.960+6G>T on transcript NM_006949.4 (MANE Select); 6 bases into the intron after coding-DNA position 960, G replaced by T.
Molecular consequence: intron variant.
Genome position (GRCh38, 1-based): chr19:7,642,829, G>T. VCF-style: chr19-7642829-G-T. GRCh37 (hg19) VCF-style: chr19-7707715-G-T.
Other names: c.993+6G>T (NM_001272034.2); c.951+6G>T (NM_001127396.3).
Identifiers: ClinVar variation 1462881 (VCV001462881.4), dbSNP rs772589071, ClinGen allele CA9143886.

ClinVar aggregate classification (germline): Uncertain significance. Review status: criteria provided, multiple submitters, no conflicts (2 of 4 stars). 2 submissions from 2 submitters: Uncertain significance (2). Last evaluated 2026-04-14.

Conditions:
Familial hemophagocytic lymphohistiocytosis 5. Also called: STXBP2-Related Familial Hemophagocytic Lymphohistiocytosis (STXBP2-fHLH). Identifiers: Orphanet 540, MedGen C2751293, MONDO:0013135, OMIM 613101.

Allele frequency attached by ClinVar (database versions not stated): TOPMed below 0.00001; gnomAD exomes 0.00001 and 0.00002; ExAC 0.00002.
gnomAD v4.1: 5 of 1,614,136 alleles (0.00031%); highest among the groups gnomAD compares: Admixed American, 0.0067%; no homozygotes.

Submissions (2):

Women's Health and Genetics/Laboratory Corporation of America, LabCorp
Classification: Uncertain significance. Last evaluated: 2026-04-14. Review status: criteria provided, single submitter. Criteria: LabCorp Variant Classification Summary - May 2015. Collection method: clinical testing. Allele origin: germline.

Labcorp Genetics (formerly Invitae), Labcorp
Classification: Uncertain significance for Familial hemophagocytic lymphohistiocytosis 5. Last evaluated: 2022-03-02. Review status: criteria provided, single submitter. Criteria: Invitae Variant Classification Sherloc (09022015). Collection method: clinical testing. Allele origin: germline.
Comment: This sequence change falls in intron 11 of the STXBP2 gene. It does not directly change the encoded amino acid sequence of the STXBP2 protein. It affects a nucleotide within the consensus splice site. This variant is present in population databases (rs772589071, gnomAD 0.01%). This variant has not been reported in the literature in individuals affected with STXBP2-related conditions. Variants that disrupt the consensus splice site are a relatively common cause of aberrant splicing (PMID: 17576681, 9536098). Algorithms developed to predict the effect of sequence changes on RNA splicing suggest that this variant is not likely to affect RNA splicing. In summary, the available evidence is currently insufficient to determine the role of this variant in disease. Therefore, it has been classified as a Variant of Uncertain Significance.

Literature cited by the submitters: PubMed 17576681 (cited by Labcorp Genetics (formerly Invitae), Labcorp); PubMed 9536098 (cited by Labcorp Genetics (formerly Invitae), Labcorp).